The following is an entry in ClinVar:

ClinVar aggregate classification (germline): Likely benign. Review status: criteria provided, multiple submitters, no conflicts (2 of 4 stars). 2 submissions from 2 submitters: Likely benign (2). Last evaluated 2025-04-28.

Conditions:
TULP1-related disorder. Also called: TULP1-related disorders; TULP1-related condition.

Allele frequency attached by ClinVar (database versions not stated): ExAC 0.00002; gnomAD exomes 0.00002; TOPMed 0.00003.
gnomAD v4.1: 36 of 1,613,854 alleles (0.0022%); highest among the groups gnomAD compares: Non-Finnish European, 0.003%; no homozygotes.

Submissions (2):

Labcorp Genetics (formerly Invitae), Labcorp
Classification: Likely benign. Last evaluated: 2025-04-28. Review status: criteria provided, single submitter. Criteria: Invitae Variant Classification Sherloc (09022015). Collection method: clinical testing. Allele origin: germline.

PreventionGenetics, part of Exact Sciences
Classification: Likely benign for TULP1-related condition. Last evaluated: 2024-12-27. Review status: criteria provided, single submitter. Criteria: ACMG Guidelines, 2015. Collection method: clinical testing. Allele origin: germline.
Comment: This variant is classified as likely benign based on ACMG/AMP sequence variant interpretation guidelines (Richards et al. 2015 PMID: 25741868, with internal and published modifications).

NM_003322.6(TULP1):c.1530G>A (p.Ala510=)

Gene: TULP1 (TUB like protein 1; minus strand). Cytogenetic location: 6p21.31.
Variant type: single nucleotide variant.
Coding change: c.1530G>A on transcript NM_003322.6 (MANE Select); coding-DNA position 1530, G replaced by A.
Protein change: p.Ala510=; no amino-acid change (alanine 510 retained).
Molecular consequence: synonymous variant.
Genome position (GRCh38, 1-based): chr6:35,498,426, C>T on the plus strand (G>A on the coding strand, the complement: TULP1 is on the minus strand). VCF-style: chr6-35498426-C-T. GRCh37 (hg19) VCF-style: chr6-35466203-C-T.
Other names: c.1371G>A, p.Ala457= (NM_001289395.2); c.1530G>A (NM_003322.5).
Identifiers: ClinVar variation 1057845 (VCV001057845.8), dbSNP rs776991257, ClinGen allele CA3772519.